The following is an entry in ClinVar:

ClinVar aggregate classification (germline): Uncertain significance (1 of 4 stars; one submission).

gnomAD v4.1: 4 of 1,606,758 alleles (0.00025%); highest among the groups gnomAD compares: Non-Finnish European, 0.00034%; no homozygotes.

Submission:

GeneDx
Classification: Uncertain significance. Last evaluated: 2022-04-11. Review status: criteria provided, single submitter. Criteria: GeneDx Variant Classification Process June 2021. Collection method: clinical testing. Allele origin: germline. Affected: yes.
Comment: Not observed at significant frequency in large population cohorts (gnomAD); In silico analysis supports that this missense variant has a deleterious effect on protein structure/function; Has not been previously published as pathogenic or benign to our knowledge

NM_003482.4(KMT2D):c.6173C>A (p.Ala2058Asp)

Gene: KMT2D (lysine methyltransferase 2D; minus strand). Cytogenetic location: 12q13.12.
Variant type: single nucleotide variant.
Coding change: c.6173C>A on transcript NM_003482.4 (MANE Select); coding-DNA position 6173, C replaced by A.
Protein change: p.Ala2058Asp; replaces alanine 2058 with aspartic acid.
Molecular consequence: missense variant.
Genome position (GRCh38, 1-based): chr12:49,041,927, G>T on the plus strand (C>A on the coding strand, the complement: KMT2D is on the minus strand). VCF-style: chr12-49041927-G-T. GRCh37 (hg19) VCF-style: chr12-49435710-G-T.
Other names: short protein forms A2058D.
Identifiers: ClinVar variation 1710904 (VCV001710904.2), dbSNP rs2120551466, ClinGen allele CA384626067.